The following is an entry in ClinVar:

ClinVar aggregate classification (germline): Pathogenic (1 of 4 stars; one submission).

Conditions:
COG5-congenital disorder of glycosylation. Also called: CONGENITAL DISORDER OF GLYCOSYLATION, TYPE IIi; CDG IIi; COG5-CDG. Identifiers: Orphanet 263487, MedGen C3150876, MONDO:0013325, OMIM 613612.

Submission:

Labcorp Genetics (formerly Invitae), Labcorp
Classification: Pathogenic for COG5-congenital disorder of glycosylation. Last evaluated: 2025-01-27. Review status: criteria provided, single submitter. Criteria: Invitae Variant Classification Sherloc (09022015). Collection method: clinical testing. Allele origin: germline.
Comment: This sequence change creates a premature translational stop signal (p.Thr275Ilefs*14) in the COG5 gene. It is expected to result in an absent or disrupted protein product. Loss-of-function variants in COG5 are known to be pathogenic (PMID: 23228021). This variant is not present in population databases (gnomAD no frequency). This variant has not been reported in the literature in individuals affected with COG5-related conditions. ClinVar contains an entry for this variant (Variation ID: 1370025). For these reasons, this variant has been classified as Pathogenic.

Literature cited by the submitters: PubMed 23228021.

NM_006348.5(COG5):c.729_730dup (p.Thr244fs)

Gene: COG5 (component of oligomeric golgi complex 5; minus strand). Cytogenetic location: 7q22.3.
Variant type: Duplication.
Coding change: c.729_730dup on transcript NM_006348.5 (MANE Select); coding-DNA positions 729 to 730, 2 bases duplicated (TA; older notation c.729_730dupTA).
Protein change: p.Thr244fs; shifts the reading frame from threonine 244.
Molecular consequence: frameshift variant. On other transcripts: intron variant (2).
Genome position (GRCh38, 1-based): chr7:107,372,700-107,372,701, TA duplicated on the plus strand (TA on the coding strand, the reverse complement: COG5 is on the minus strand); duplicating any 2 consecutive bases within chr7:107,372,700-107,372,702 gives the same sequence; the c. name uses the placement nearest the transcript's 3' end. VCF-style (leftmost placement, unchanged base first): chr7-107372699-G-GTA. GRCh37 (hg19) VCF-style: chr7-107013144-G-GTA.
Other names: c.729_730dup, p.Thr244fs (NM_001161520.2, NM_001379511.1, NM_001379512.1 and 3 more transcripts); c.235-10591_235-10590dup (NM_001379516.1); c.539-74355_539-74354dup (NM_001379515.1); short protein forms T244fs.
Identifiers: ClinVar variation 1370025 (VCV001370025.6), dbSNP rs1289836014, ClinGen allele CA831158460.